The following is an entry in ClinVar:

NM_005247.4(FGF3):c.551A>T (p.Asp184Val)

Gene: FGF3 (fibroblast growth factor 3; minus strand). Cytogenetic location: 11q13.3.
Variant type: single nucleotide variant.
Coding change: c.551A>T on transcript NM_005247.4 (MANE Select); coding-DNA position 551, A replaced by T.
Protein change: p.Asp184Val; replaces aspartic acid 184 with valine.
Molecular consequence: missense variant.
Genome position (GRCh38, 1-based): chr11:69,810,474, T>A on the plus strand (A>T on the coding strand, the complement: FGF3 is on the minus strand). VCF-style: chr11-69810474-T-A. GRCh37 (hg19) VCF-style: chr11-69625242-T-A.
Other names: short protein forms D184V.
Identifiers: ClinVar variation 2469584 (VCV002469584.3), dbSNP rs782227926, ClinGen allele CA381663614.

ClinVar aggregate classification (germline): Uncertain significance. Review status: criteria provided, multiple submitters, no conflicts (2 of 4 stars). 2 submissions from 2 submitters: Uncertain significance (2). Last evaluated 2023-10-20.

Conditions:
Inborn genetic diseases. Identifiers: MedGen C0950123, MeSH D030342.

Allele frequency attached by ClinVar (database versions not stated): gnomAD exomes below 0.00001; gnomAD 0.00001; TOPMed 0.00001.
gnomAD v4.1: 8 of 1,605,948 alleles (0.0005%); highest among the groups gnomAD compares: Non-Finnish European, 0.00068%; no homozygotes.

Submissions (2):

GeneDx
Classification: Uncertain significance. Last evaluated: 2023-10-20. Review status: criteria provided, single submitter. Criteria: GeneDx Variant Classification Process June 2021. Collection method: clinical testing. Allele origin: germline. Affected: yes.
Comment: Not observed at significant frequency in large population cohorts (gnomAD); In silico analysis supports that this missense variant has a deleterious effect on protein structure/function; Has not been previously published as pathogenic or benign to our knowledge

Ambry Genetics
Classification: Uncertain significance for Inborn genetic diseases. Last evaluated: 2023-02-16. Review status: criteria provided, single submitter. Criteria: Ambry Variant Classification Scheme 2023. Collection method: clinical testing. Allele origin: germline.